The following is an entry in ClinVar:

ClinVar aggregate classification (germline): Conflicting classifications of pathogenicity. Review status: criteria provided, conflicting classifications (1 of 4 stars). 7 submissions from 7 submitters: Uncertain significance (1); Benign (1); Likely benign (5). Last evaluated 2026-01-28.

Conditions:
History of neurodevelopmental disorder. Identifiers: MedGen C2711754.
Pitt-Hopkins-like syndrome 2 (PTHSL2). Identifiers: Orphanet 221150, Orphanet 600663, MedGen C3280479, MONDO:0013690, OMIM 614325.

Allele frequency attached by ClinVar (database versions not stated): ExAC 0.00019; TOPMed 0.00029; gnomAD 0.00034 and 0.00035; ESP Exome Variant Server 0.00038.
gnomAD v4.1: 617 of 1,614,098 alleles (0.038%); highest among the groups gnomAD compares: Middle Eastern, 0.18%; no homozygotes.

Submissions (7):

Labcorp Genetics (formerly Invitae), Labcorp
Classification: Likely benign for Pitt-Hopkins-like syndrome 2. Last evaluated: 2026-01-28. Review status: criteria provided, single submitter. Criteria: Invitae Variant Classification Sherloc (09022015). Collection method: clinical testing. Allele origin: germline.

Blueprint Genetics
Classification: Likely benign. Last evaluated: 2024-09-13. Review status: criteria provided, single submitter. Criteria: ACMG Guidelines, 2015. Collection method: clinical testing. Allele origin: germline.

CeGaT Center for Human Genetics Tuebingen
Classification: Likely benign. Last evaluated: 2022-05-01. Review status: criteria provided, single submitter. Criteria: CeGaT Center For Human Genetics Tuebingen Variant Classification Criteria Version 2. Collection method: clinical testing. Allele origin: germline. Affected: yes. Observed: 1 variant allele.
Comment: NRXN1: BP4, BP7

Illumina Laboratory Services, Illumina
Classification: Uncertain significance for Pitt-Hopkins-like syndrome 2. Last evaluated: 2018-01-13. Review status: criteria provided, single submitter. Criteria: ICSL Variant Classification Criteria 13 December 2019. Collection method: clinical testing. Allele origin: germline.

Genetic Services Laboratory, University of Chicago
Classification: Likely benign. Last evaluated: 2016-10-14. Review status: criteria provided, single submitter. Criteria: ACMG Guidelines, 2015. Collection method: clinical testing. Allele origin: germline. Affected: no.

Ambry Genetics
Classification: Likely benign for History of neurodevelopmental disorder. Last evaluated: 2016-10-11. Review status: criteria provided, single submitter. Criteria: Ambry Autosomal Dominant and X-Linked criteria (10/2015). Collection method: clinical testing. Allele origin: germline. Observed: 1 variant allele.
Comment: Synonymous alterations with insufficient evidence to classify as benign

GeneDx
Classification: Benign. Last evaluated: 2013-10-07. Review status: criteria provided, single submitter. Criteria: GeneDx Variant Classification (06012015). Collection method: clinical testing. Allele origin: germline. Affected: yes.
Comment: This variant is considered likely benign or benign based on one or more of the following criteria: it is a conservative change, it occurs at a poorly conserved position in the protein, it is predicted to be benign by multiple in silico algorithms, and/or has population frequency not consistent with disease.

NM_001330078.2(NRXN1):c.4392T>C (p.His1464=)

Gene: NRXN1 (neurexin 1; minus strand). Cytogenetic location: 2p16.3.
Variant type: single nucleotide variant.
Coding change: c.4392T>C on transcript NM_001330078.2 (MANE Select); coding-DNA position 4392, T replaced by C.
Protein change: p.His1464=; no amino-acid change (histidine 1464 retained).
Molecular consequence: synonymous variant.
Genome position (GRCh38, 1-based): chr2:49,922,076, A>G on the plus strand (T>C on the coding strand, the complement: NRXN1 is on the minus strand). VCF-style: chr2-49922076-A-G. GRCh37 (hg19) VCF-style: chr2-50149214-A-G.
Other names: p.H1504H:CAT>CAC; c.4512T>C, p.His1504= (NM_001135659.3); c.297T>C, p.His99= (NM_001320156.4); c.288T>C, p.His96= (NM_001320157.4); c.4368T>C, p.His1456= (NM_001330077.2); c.4359T>C, p.His1453= (NM_001330082.2); c.4227T>C, p.His1409= (NM_001330083.2); c.4326T>C, p.His1442= (NM_001330084.2); and 13 more.
Identifiers: ClinVar variation 138546 (VCV000138546.47), dbSNP rs112536447, ClinGen allele CA292593.